The following is an entry in ClinVar:

ClinVar aggregate classification (germline): Likely pathogenic (1 of 4 stars; one submission).

Submission:

Labcorp Genetics (formerly Invitae), Labcorp
Classification: Likely pathogenic. Last evaluated: 2023-09-26. Review status: criteria provided, single submitter. Criteria: Invitae Variant Classification Sherloc (09022015). Collection method: clinical testing. Allele origin: germline.
Comment: In summary, the currently available evidence indicates that the variant is pathogenic, but additional data are needed to prove that conclusively. Therefore, this variant has been classified as Likely Pathogenic. Algorithms developed to predict the effect of sequence changes on RNA splicing suggest that this variant may disrupt the consensus splice site. ClinVar contains an entry for this variant (Variation ID: 2103149). This variant has not been reported in the literature in individuals affected with ASNS-related conditions. This variant is not present in population databases (gnomAD no frequency). This sequence change affects an acceptor splice site in intron 6 of the ASNS gene. It is expected to disrupt RNA splicing. Variants that disrupt the donor or acceptor splice site typically lead to a loss of protein function (PMID: 16199547), and loss-of-function variants in ASNS are known to be pathogenic (PMID: 27422383, 30057589).

Literature cited by the submitters: PubMed 16199547; PubMed 27422383; PubMed 30057589.

NM_001673.5(ASNS):c.776-2A>T

Genes: ASNS (asparagine synthetase (glutamine-hydrolyzing); minus strand), CZ1P-ASNS (CZ1P-ASNS readthrough; minus strand). Cytogenetic location: 7q21.3.
Variant type: single nucleotide variant.
Coding change: c.776-2A>T on transcript NM_001673.5 (MANE Select); the canonical splice acceptor site of the intron before coding-DNA position 776, A replaced by T.
Molecular consequence: splice acceptor variant.
Genome position (GRCh38, 1-based): chr7:97,858,407, T>A on the plus strand (A>T on the coding strand, the complement: ASNS is on the minus strand). VCF-style: chr7-97858407-T-A. GRCh37 (hg19) VCF-style: chr7-97487719-T-A.
Other names: c.776-2A>T (NM_001352496.2, NM_183356.4, NM_133436.3); c.527-2A>T (NM_001178076.2, NM_001178077.1); c.713-2A>T (NM_001178075.2).
Identifiers: ClinVar variation 2103149 (VCV002103149.4), dbSNP rs2484656752, ClinGen allele CA368268129.